The following is an entry in ClinVar:

ClinVar aggregate classification (germline): Uncertain significance (1 of 4 stars; one submission).

Conditions:
Genitopatellar syndrome (GTPTS). Also called: ABSENT PATELLAE, SCROTAL HYPOPLASIA, RENAL ANOMALIES, FACIAL DYSMORPHISM, AND MENTAL RETARDATION; Genitopatellar syndrome (GPS). Identifiers: Orphanet 85201, MedGen C1853566, MONDO:0011640, OMIM 606170.

Submission:

Labcorp Genetics (formerly Invitae), Labcorp
Classification: Uncertain significance for Genitopatellar syndrome. Last evaluated: 2024-04-18. Review status: criteria provided, single submitter. Criteria: Invitae Variant Classification Sherloc (09022015). Collection method: clinical testing. Allele origin: germline.
Comment: This sequence change replaces leucine, which is neutral and non-polar, with proline, which is neutral and non-polar, at codon 286 of the KAT6B protein (p.Leu286Pro). This variant is not present in population databases (gnomAD no frequency). This variant has not been reported in the literature in individuals affected with KAT6B-related conditions. Advanced modeling of protein sequence and biophysical properties (such as structural, functional, and spatial information, amino acid conservation, physicochemical variation, residue mobility, and thermodynamic stability) has been performed at Invitae for this missense variant, however the output from this modeling did not meet the statistical confidence thresholds required to predict the impact of this variant on KAT6B protein function. In summary, the available evidence is currently insufficient to determine the role of this variant in disease. Therefore, it has been classified as a Variant of Uncertain Significance.

NM_012330.4(KAT6B):c.857T>C (p.Leu286Pro)

Gene: KAT6B (lysine acetyltransferase 6B; plus strand). Cytogenetic location: 10q22.2.
Variant type: single nucleotide variant.
Coding change: c.857T>C on transcript NM_012330.4 (MANE Select); coding-DNA position 857, T replaced by C.
Protein change: p.Leu286Pro; replaces leucine 286 with proline.
Molecular consequence: missense variant. On other transcripts: intron variant (3).
Genome position (GRCh38, 1-based): chr10:74,970,030, T>C. VCF-style: chr10-74970030-T-C. GRCh37 (hg19) VCF-style: chr10-76729788-T-C.
Other names: c.857T>C, p.Leu286Pro (NM_001256468.2, NM_001256469.2, NM_001370132.1 and 9 more transcripts); c.846+255T>C (NM_001370133.1); c.193-9194T>C (NM_001370134.1); c.192+9952T>C (NM_001370135.1); short protein forms L286P.
Identifiers: ClinVar variation 3650396 (VCV003650396.2).